The following is an entry in ClinVar:

ClinVar aggregate classification (germline): Uncertain significance (1 of 4 stars; one submission).

Conditions:
Autosomal dominant hypocalcemia 1 (HYPOC1). Also called: HYPOCALCEMIA, FAMILIAL. Identifiers: MedGen C3715128, MONDO:0011013, OMIM 601198.
Familial hypocalciuric hypercalcemia (FHH). Also called: Familial benign hypercalcemia. Identifiers: Orphanet 405, MedGen C1809471, MONDO:0018458.

Allele frequency attached by ClinVar (database versions not stated): gnomAD exomes below 0.00001; ExAC 0.00001.
gnomAD v4.1: 1 of 1,614,208 alleles (0.000062%); highest among the groups gnomAD compares: Non-Finnish European, 0.000085%; no homozygotes.

Submission:

Labcorp Genetics (formerly Invitae), Labcorp
Classification: Uncertain significance for Familial hypocalciuric hypercalcemia; Autosomal dominant hypocalcemia 1. Last evaluated: 2021-07-22. Review status: criteria provided, single submitter. Criteria: Invitae Variant Classification Sherloc (09022015). Collection method: clinical testing. Allele origin: germline.
Comment: In summary, the available evidence is currently insufficient to determine the role of this variant in disease. Therefore, it has been classified as a Variant of Uncertain Significance. Algorithms developed to predict the effect of missense changes on protein structure and function (SIFT, PolyPhen-2, Align-GVGD) all suggest that this variant is likely to be tolerated, but these predictions have not been confirmed by published functional studies and their clinical significance is uncertain. This variant has not been reported in the literature in individuals with CASR-related conditions. This variant is present in population databases (rs758535387, ExAC 0.002%). This sequence change replaces glutamic acid with lysine at codon 1048 of the CASR protein (p.Glu1048Lys). The glutamic acid residue is moderately conserved and there is a small physicochemical difference between glutamic acid and lysine.

NM_000388.4(CASR):c.3142G>A (p.Glu1048Lys)

Gene: CASR (calcium sensing receptor; plus strand). Cytogenetic location: 3q21.1.
Variant type: single nucleotide variant.
Coding change: c.3142G>A on transcript NM_000388.4 (MANE Select); coding-DNA position 3142, G replaced by A.
Protein change: p.Glu1048Lys; replaces glutamic acid 1048 with lysine.
Molecular consequence: missense variant.
Genome position (GRCh38, 1-based): chr3:122,285,096, G>A. VCF-style: chr3-122285096-G-A. GRCh37 (hg19) VCF-style: chr3-122003943-G-A.
Other names: c.3172G>A, p.Glu1058Lys (NM_001178065.2); short protein forms E1048K, E1058K.
Identifiers: ClinVar variation 956899 (VCV000956899.10), dbSNP rs758535387, ClinGen allele CA2569940.